The following is an entry in ClinVar:

NM_004525.3(LRP2):c.3434C>T (p.Ser1145Leu)

Gene: LRP2 (LDL receptor related protein 2; minus strand). Cytogenetic location: 2q31.1.
Variant type: single nucleotide variant.
Coding change: c.3434C>T on transcript NM_004525.3 (MANE Select); coding-DNA position 3434, C replaced by T.
Protein change: p.Ser1145Leu; replaces serine 1145 with leucine.
Molecular consequence: missense variant.
Genome position (GRCh38, 1-based): chr2:169,243,519, G>A on the plus strand (C>T on the coding strand, the complement: LRP2 is on the minus strand). VCF-style: chr2-169243519-G-A. GRCh37 (hg19) VCF-style: chr2-170100029-G-A.
Other names: short protein forms S1145L.
Identifiers: ClinVar variation 723153 (VCV000723153.39), dbSNP rs140061784, ClinGen allele CA1955026.

ClinVar aggregate classification (germline): Benign/Likely benign. Review status: criteria provided, multiple submitters, no conflicts (2 of 4 stars). 5 submissions from 5 submitters: Benign (4); Likely benign (1). Last evaluated 2026-06-01.

Conditions:
Donnai-Barrow syndrome. Also called: DBS/FOAR SYNDROME; FACIOOCULOACOUSTICORENAL SYNDROME. Identifiers: Orphanet 2143, MedGen C1857277, MONDO:0009104, OMIM 222448.

Allele frequency attached by ClinVar (database versions not stated): gnomAD 0.00034 and 0.00066; TOPMed 0.00040; ESP Exome Variant Server 0.00054; 1000 Genomes Project 30x 0.00234; 1000 Genomes Project 0.00280; gnomAD exomes 0.00115 and 0.00199; ExAC 0.00219.
gnomAD v4.1: 1,774 of 1,614,006 alleles (0.11%); highest among the groups gnomAD compares: South Asian, 1.3%; 15 homozygotes.

Submissions (5):

CeGaT Center for Human Genetics Tuebingen
Classification: Benign. Last evaluated: 2026-06-01. Review status: criteria provided, single submitter. Criteria: CeGaT Center For Human Genetics Tuebingen Variant Classification Criteria Version 2. Collection method: clinical testing. Allele origin: germline. Affected: yes. Observed: 2 variant alleles.
Comment: LRP2: BS1, BS2

Labcorp Genetics (formerly Invitae), Labcorp
Classification: Benign. Last evaluated: 2026-02-04. Review status: criteria provided, single submitter. Criteria: Invitae Variant Classification Sherloc (09022015). Collection method: clinical testing. Allele origin: germline.

Blueprint Genetics
Classification: Likely benign. Last evaluated: 2024-11-21. Review status: criteria provided, single submitter. Criteria: ACMG Guidelines, 2015. Collection method: clinical testing. Allele origin: germline.

Genome-Nilou Lab
Classification: Benign for Donnai-Barrow syndrome. Last evaluated: 2021-07-15. Review status: criteria provided, single submitter. Criteria: ACMG Guidelines, 2015. Collection method: clinical testing. Allele origin: germline. Affected: no.

Illumina Laboratory Services, Illumina
Classification: Benign for Donnai-Barrow syndrome. Last evaluated: 2017-04-27. Review status: criteria provided, single submitter. Criteria: ICSL Variant Classification Criteria 13 December 2019. Collection method: clinical testing. Allele origin: germline.
Comment: This variant was observed as part of a predisposition screen in an ostensibly healthy population. A literature search was performed for the gene, cDNA change, and amino acid change (where applicable). No publications were found based on this search. Allele frequency data from public databases was too high to be consistent with this variant causing disease. Therefore, this variant is classified as benign.